The following is an entry in ClinVar:

ClinVar aggregate classification (germline): Uncertain significance (1 of 4 stars; one submission).

Submission:

Labcorp Genetics (formerly Invitae), Labcorp
Classification: Uncertain significance. Last evaluated: 2025-11-17. Review status: criteria provided, single submitter. Criteria: Invitae Variant Classification Sherloc (09022015). Collection method: clinical testing. Allele origin: germline.
Comment: This sequence change replaces aspartic acid, which is acidic and polar, with glycine, which is neutral and non-polar, at codon 154 of the PLS3 protein (p.Asp154Gly). This variant is not present in population databases (gnomAD no frequency). This variant has not been reported in the literature in individuals affected with PLS3-related conditions. Invitae Evidence Modeling of protein sequence and biophysical properties (such as structural, functional, and spatial information, amino acid conservation, physicochemical variation, residue mobility, and thermodynamic stability) indicates that this missense variant is not expected to disrupt PLS3 protein function with a negative predictive value of 80%. In summary, the available evidence is currently insufficient to determine the role of this variant in disease. Therefore, it has been classified as a Variant of Uncertain Significance.

NM_005032.7(PLS3):c.461A>G (p.Asp154Gly)

Gene: PLS3 (plastin 3; plus strand). Cytogenetic location: Xq23.
Variant type: single nucleotide variant.
Coding change: c.461A>G on transcript NM_005032.7 (MANE Select); coding-DNA position 461, A replaced by G.
Protein change: p.Asp154Gly; replaces aspartic acid 154 with glycine.
Molecular consequence: missense variant.
Genome position (GRCh38, 1-based): chrX:115,629,928, A>G. VCF-style: chrX-115629928-A-G. GRCh37 (hg19) VCF-style: chrX-114864240-A-G.
Other names: c.461A>G, p.Asp154Gly (NM_001136025.5, NM_001440791.1, NM_001440792.1); c.380A>G, p.Asp127Gly (NM_001172335.3); c.395A>G, p.Asp132Gly (NM_001282337.2); c.326A>G, p.Asp109Gly (NM_001282338.2); short protein forms D127G, D132G, D109G, D154G.
Identifiers: ClinVar variation 4737098 (VCV004737098.1).